The following is an entry in ClinVar:

ClinVar aggregate classification (germline): Uncertain significance (1 of 4 stars; one submission).

Allele frequency attached by ClinVar (database versions not stated): 1000 Genomes Project 30x 0.00016; 1000 Genomes Project 0.00020.
gnomAD v4.1: 13 of 1,596,698 alleles (0.00081%); highest among the groups gnomAD compares: South Asian, 0.0023%; no homozygotes.

Submission:

Labcorp Genetics (formerly Invitae), Labcorp
Classification: Uncertain significance. Last evaluated: 2022-03-10. Review status: criteria provided, single submitter. Criteria: Invitae Variant Classification Sherloc (09022015). Collection method: clinical testing. Allele origin: germline.
Comment: This sequence change replaces glycine, which is neutral and non-polar, with serine, which is neutral and polar, at codon 2617 of the CDH23 protein (p.Gly2617Ser). The frequency data for this variant in the population databases is considered unreliable, as metrics indicate poor data quality at this position in the gnomAD database. This variant has not been reported in the literature in individuals affected with CDH23-related conditions. Algorithms developed to predict the effect of missense changes on protein structure and function are either unavailable or do not agree on the potential impact of this missense change (SIFT: "Tolerated"; PolyPhen-2: "Not Available"; Align-GVGD: "Class C0"). Algorithms developed to predict the effect of sequence changes on RNA splicing suggest that this variant may create or strengthen a splice site. In summary, the available evidence is currently insufficient to determine the role of this variant in disease. Therefore, it has been classified as a Variant of Uncertain Significance.

NM_022124.6(CDH23):c.7849G>A (p.Gly2617Ser)

Gene: CDH23 (cadherin related 23; plus strand). Cytogenetic location: 10q22.1.
Variant type: single nucleotide variant.
Coding change: c.7849G>A on transcript NM_022124.6 (MANE Select); coding-DNA position 7849, G replaced by A.
Protein change: p.Gly2617Ser; replaces glycine 2617 with serine.
Molecular consequence: missense variant.
Genome position (GRCh38, 1-based): chr10:71,803,397, G>A. VCF-style: chr10-71803397-G-A. GRCh37 (hg19) VCF-style: chr10-73563154-G-A.
Other names: c.1129G>A, p.Gly377Ser (NM_001171933.1, NM_001171934.1); short protein forms G377S, G2617S.
Identifiers: ClinVar variation 2178249 (VCV002178249.1), dbSNP rs369379727, ClinGen allele CA209472827.